The following is an entry in ClinVar:

ClinVar aggregate classification (germline): Benign/Likely benign. Review status: criteria provided, multiple submitters, no conflicts (2 of 4 stars). 10 submissions from 9 submitters: Benign (3); Likely benign (5). 2 of the submissions do not count toward it. Last evaluated 2026-01-19.

Conditions:
Usher syndrome type 2A. Also called: USHER SYNDROME, TYPE IIA; RETINAL DISEASE IN USHER SYNDROME TYPE IIA, MODIFIER OF. Identifiers: Orphanet 231178, Orphanet 886, MedGen C1848634, MONDO:0010169, OMIM 276901.
Retinitis pigmentosa 39 (RP39). Identifiers: Orphanet 791, MedGen C3151138, MONDO:0013436, OMIM 613809.

Allele frequency attached by ClinVar (database versions not stated): ESP Exome Variant Server 0.00008; gnomAD 0.00019 and 0.00021; gnomAD exomes 0.00021 and 0.00031; TOPMed 0.00022; ExAC 0.00023.
gnomAD v4.1: 355 of 1,613,780 alleles (0.022%); highest among the groups gnomAD compares: Middle Eastern, 0.066%; 3 homozygotes.

Submissions (10):

Labcorp Genetics (formerly Invitae), Labcorp
Classification: Benign. Last evaluated: 2026-01-19. Review status: criteria provided, single submitter. Criteria: Invitae Variant Classification Sherloc (09022015). Collection method: clinical testing. Allele origin: germline.

Women's Health and Genetics/Laboratory Corporation of America, LabCorp
Classification: Likely benign. Last evaluated: 2025-07-09. Review status: criteria provided, single submitter. Criteria: LabCorp Variant Classification Summary - May 2015. Collection method: clinical testing. Allele origin: germline.

Blueprint Genetics
Classification: Likely benign. Last evaluated: 2024-10-25. Review status: criteria provided, single submitter. Criteria: ACMG Guidelines, 2015. Collection method: clinical testing. Allele origin: germline.

Genome-Nilou Lab
Classification: Benign for Retinitis pigmentosa 39. Last evaluated: 2023-11-04. Review status: criteria provided, single submitter. Criteria: ACMG Guidelines, 2015. Collection method: clinical testing. Allele origin: germline. Affected: no.

Genome-Nilou Lab
Classification: Benign for Usher syndrome type 2A. Last evaluated: 2023-11-04. Review status: criteria provided, single submitter. Criteria: ACMG Guidelines, 2015. Collection method: clinical testing. Allele origin: germline. Affected: no.

CeGaT Center for Human Genetics Tuebingen
Classification: Likely benign. Last evaluated: 2023-07-01. Review status: criteria provided, single submitter. Criteria: CeGaT Center For Human Genetics Tuebingen Variant Classification Criteria Version 2. Collection method: clinical testing. Allele origin: germline. Affected: yes. Observed: 1 variant allele.
Comment: USH2A: BP4, BP7

GeneDx
Classification: Likely benign. Last evaluated: 2020-03-09. Review status: criteria provided, single submitter. Criteria: GeneDx Variant Classification Process June 2021. Collection method: clinical testing. Allele origin: germline. Affected: yes.

Laboratory for Molecular Medicine, Mass General Brigham Personalized Medicine
Classification: Likely benign. Last evaluated: 2015-07-30. Review status: criteria provided, single submitter. Criteria: LMM Criteria. Collection method: clinical testing. Allele origin: germline. Observed: 3 variant alleles.
Comment: p.Arg1948Arg in Exon 29 of USH2A: This variant is not expected to have clinical significance because it does not alter an amino acid residue, is not located wit hin the splice consensus sequence, and has been identified in 25/ 66592 of Europ ean (Non-Finnish) chromosomes by the Exome Aggregation Consortium (ExAC; dbSNP rs147930567).

Natera, Inc.
Classification: Likely benign for Usher syndrome type 2A. Last evaluated: 2019-12-08. Review status: no assertion criteria provided. Collection method: clinical testing. Allele origin: germline. Not counted in ClinVar's aggregate classification.

Counsyl
Classification: Likely benign for Usher syndrome type 2A; Retinitis pigmentosa 39. Last evaluated: 2016-12-27. Review status: no assertion criteria provided. Collection method: clinical testing. Allele origin: unknown. Not counted in ClinVar's aggregate classification.

NM_206933.4(USH2A):c.5844T>C (p.Arg1948=)

Genes: USH2A (usherin; minus strand), USH2A-AS2 (USH2A antisense RNA 2; plus strand). Cytogenetic location: 1q41.
Variant type: single nucleotide variant.
Coding change: c.5844T>C on transcript NM_206933.4 (MANE Select); coding-DNA position 5844, T replaced by C.
Protein change: p.Arg1948=; no amino-acid change (arginine 1948 retained).
Molecular consequence: synonymous variant.
Genome position (GRCh38, 1-based): chr1:216,072,902, A>G on the plus strand (T>C on the coding strand, the complement: USH2A is on the minus strand). VCF-style: chr1-216072902-A-G. GRCh37 (hg19) VCF-style: chr1-216246244-A-G.
Identifiers: ClinVar variation 166490 (VCV000166490.45), dbSNP rs147930567, ClinGen allele CA179554.
Genomic context (GRCh38, chr1:216,072,902, plus strand): 5'-CATGCATGTGTGTGTGTGCACATATGCATTTGAAGATAAGTATTTACCTGCTCCTGTTGT[A>G]CGTCCTCGACTCCAATCACTATATACTGAACCTCCTTCATGCGAGGCTATCACTCGATAC-3'
Protein context (NP_996816.3, residues 1938-1958): GSVYSDWSRG[Arg1948=]TTGAAPQSVP